The following is an entry in ClinVar:

NM_004974.4(KCNA2):c.625A>G (p.Thr209Ala)

Gene: KCNA2 (potassium voltage-gated channel subfamily A member 2; minus strand). Cytogenetic location: 1p13.3.
Variant type: single nucleotide variant.
Coding change: c.625A>G on transcript NM_004974.4 (MANE Select); coding-DNA position 625, A replaced by G.
Protein change: p.Thr209Ala; replaces threonine 209 with alanine.
Molecular consequence: missense variant.
Genome position (GRCh38, 1-based): chr1:110,604,158, T>C on the plus strand (A>G on the coding strand, the complement: KCNA2 is on the minus strand). VCF-style: chr1-110604158-T-C. GRCh37 (hg19) VCF-style: chr1-111146780-T-C.
Other names: c.625A>G, p.Thr209Ala (NM_001204269.2); short protein forms T209A.
Identifiers: ClinVar variation 956614 (VCV000956614.10), dbSNP rs1649486218, ClinGen allele CA341603575.

ClinVar aggregate classification (germline): Uncertain significance (1 of 4 stars; one submission).

Conditions:
Developmental and epileptic encephalopathy, 32 (DEE32). Also called: Epileptic encephalopathy, early infantile, 32. Identifiers: Orphanet 442835, MedGen C4225350, MONDO:0014607, OMIM 616366.

Submission:

Labcorp Genetics (formerly Invitae), Labcorp
Classification: Uncertain significance for Developmental and epileptic encephalopathy, 32. Last evaluated: 2019-07-18. Review status: criteria provided, single submitter. Criteria: Invitae Variant Classification Sherloc (09022015). Collection method: clinical testing. Allele origin: germline.
Comment: This variant is not present in population databases (ExAC no frequency). This sequence change replaces threonine with alanine at codon 209 of the KCNA2 protein (p.Thr209Ala). The threonine residue is highly conserved and there is a small physicochemical difference between threonine and alanine. Algorithms developed to predict the effect of missense changes on protein structure and function are either unavailable or do not agree on the potential impact of this missense change (SIFT: "Tolerated"; PolyPhen-2: "Possibly Damaging"; Align-GVGD: "Class C0"). In summary, the available evidence is currently insufficient to determine the role of this variant in disease. Therefore, it has been classified as a Variant of Uncertain Significance. This variant has not been reported in the literature in individuals with KCNA2-related conditions.